The following is an entry in ClinVar:

ClinVar aggregate classification (germline): Uncertain significance (1 of 4 stars; one submission).

Allele frequency attached by ClinVar (database versions not stated): TOPMed below 0.00001; gnomAD exomes below 0.00001.
gnomAD v4.1: 2 of 1,614,092 alleles (0.00012%); highest among the groups gnomAD compares: Admixed American, 0.0033%; no homozygotes.

Submission:

GeneDx
Classification: Uncertain significance. Last evaluated: 2026-10-22. Review status: criteria provided, single submitter. Criteria: GeneDx Variant Classification Process June 2021. Collection method: clinical testing. Allele origin: germline.
Comment: In silico analysis suggests that this missense variant does not alter protein structure/function; This variant is associated with the following publications: (PMID: 14592871, 14702950)

NM_000079.4(CHRNA1):c.946A>C (p.Ile316Leu)

Gene: CHRNA1 (cholinergic receptor nicotinic alpha 1 subunit; minus strand). Cytogenetic location: 2q31.1.
Variant type: single nucleotide variant.
Coding change: c.946A>C on transcript NM_000079.4 (MANE Select); coding-DNA position 946, A replaced by C.
Protein change: p.Ile316Leu; replaces isoleucine 316 with leucine.
Molecular consequence: missense variant.
Genome position (GRCh38, 1-based): chr2:174,750,002, T>G on the plus strand (A>C on the coding strand, the complement: CHRNA1 is on the minus strand). VCF-style: chr2-174750002-T-G. GRCh37 (hg19) VCF-style: chr2-175614730-T-G.
Other names: c.1021A>C, p.Ile341Leu (NM_001039523.3); short protein forms I316L, I341L.
Identifiers: ClinVar variation 449450 (VCV000449450.7), dbSNP rs1291364532, ClinGen allele CA349336224.
Genomic context (GRCh38, chr2:174,750,002, plus strand): 5'-TCACCTTCCGCACCCAGTTGGGCATGACATGGGTGCTGGGTGAGCGGTGGTGTGTGTTGA[T>G]GACGATGACAGTGATGATGATGGAGGCAATGACGAACACCATGGTGAACAGCATGTATTT-3'
Protein context (NP_000070.1, residues 306-326): IASIIITVIV[Ile316Leu]NTHHRSPSTH